The following is an entry in ClinVar:

NM_001042545.2(LTBP4):c.946_947del (p.Cys316fs)

Genes: LTBP4 (latent transforming growth factor beta binding protein 4; plus strand), LOC121627876 (Sharpr-MPRA regulatory region 12022; plus strand). Cytogenetic location: 19q13.2.
Variant type: Microsatellite.
Coding change: c.946_947del on transcript NM_001042545.2 (MANE Select); coding-DNA positions 946 to 947, 2 bases deleted (TG; older notation c.946_947delTG).
Protein change: p.Cys316fs; shifts the reading frame from cysteine 316.
Molecular consequence: frameshift variant.
Genome position (GRCh38, 1-based): chr19:40,606,481-40,606,482, TG deleted; deleting any 2 consecutive bases within chr19:40,606,474-40,606,482 gives the same sequence; the c. name uses the placement nearest the transcript's 3' end. VCF-style (leftmost placement, unchanged base first): chr19-40606473-CGT-C. GRCh37 (hg19) VCF-style: chr19-41112379-CGT-C.
Other names: c.1147_1148del, p.Cys383fs (NM_001042544.1); c.1036_1037del, p.Cys346fs (NM_003573.2); short protein forms C346fs, C383fs, C316fs.
Identifiers: ClinVar variation 4762610 (VCV004762610.1).
Genomic context (GRCh38, chr19:40,606,473, plus strand): 5'-AGTGCGCGACTGGCGGGCGCTGCCAGCACGGCGAGTGTGCAAACACGCGCGGCGGGTACA[CGT>C]GTGTGTGCCCCGACGGCTTTCTGCTCGACTCGTCCCGCAGCAGCTGCATCTGTGAGCAAC-3'

ClinVar aggregate classification (germline): Pathogenic (1 of 4 stars; one submission).

Submission:

Labcorp Genetics (formerly Invitae), Labcorp
Classification: Pathogenic. Last evaluated: 2025-09-30. Review status: criteria provided, single submitter. Criteria: Invitae Variant Classification Sherloc (09022015). Collection method: clinical testing. Allele origin: germline.
Comment: This sequence change creates a premature translational stop signal (p.Cys346Profs*45) in the LTBP4 gene. It is expected to result in an absent or disrupted protein product. Loss-of-function variants in LTBP4 are known to be pathogenic (PMID: 19836010, 22829427). This variant is not present in population databases (gnomAD no frequency). This variant has not been reported in the literature in individuals affected with LTBP4-related conditions. For these reasons, this variant has been classified as Pathogenic.

Literature cited by the submitters: PubMed 19836010; PubMed 22829427.